The following is an entry in ClinVar:

ClinVar aggregate classification (germline): Benign (1 of 4 stars; one submission).

Allele frequency attached by ClinVar (database versions not stated): gnomAD 0.05375 and 0.05753; gnomAD exomes 0.00542 and 0.01379; ESP Exome Variant Server 0.05886; 1000 Genomes Project 0.05891; 1000 Genomes Project 30x 0.06558; TOPMed 0.06086; ExAC 0.01663.

Submission:

GeneDx
Classification: Benign. Last evaluated: 2020-07-15. Review status: criteria provided, single submitter. Criteria: GeneDx Variant Classification Process June 2021. Collection method: clinical testing. Allele origin: germline. Affected: yes.
Comment: This variant is associated with the following publications: (PMID: 32098966)

NM_001330348.2(TBC1D8):c.3416_3418dup (p.Thr1139_Phe1140insSer)

Genes: RPL31 (ribosomal protein L31; plus strand), TBC1D8 (TBC1 domain family member 8; minus strand). Cytogenetic location: 2q11.2.
Variant type: Duplication.
Coding change: c.3416_3418dup on transcript NM_001330348.2 (MANE Select); coding-DNA positions 3416 to 3418, 3 bases duplicated (CTT; older notation c.3416_3418dupCTT).
Protein change: p.Thr1139_Phe1140insSer.
Molecular consequence: inframe insertion. On other transcripts: non-coding transcript variant (1), intron variant (1).
Genome position (GRCh38, 1-based): chr2:101,007,871-101,007,873, AAG duplicated on the plus strand (CTT on the coding strand, the reverse complement: TBC1D8 is on the minus strand). VCF-style (leftmost placement, unchanged base first): chr2-101007870-A-AAAG. GRCh37 (hg19) VCF-style: chr2-101624332-A-AAAG.
Other names: c.3371_3373dup, p.Thr1124_Phe1125insSer (NM_001102426.3); c.346+1800_346+1802dup (NM_001098577.3).
Identifiers: ClinVar variation 1248315 (VCV001248315.4), dbSNP rs150740812, ClinGen allele CA1804344.